The following is an entry in ClinVar:

NM_001130438.3(SPTAN1):c.6263dup (p.Ser2089fs)

Gene: SPTAN1 (spectrin alpha, non-erythrocytic 1; plus strand). Cytogenetic location: 9q34.11.
Variant type: Duplication.
Coding change: c.6263dup on transcript NM_001130438.3 (MANE Select); coding-DNA position 6263, one base duplicated (A; older notation c.6263dupA).
Protein change: p.Ser2089fs; shifts the reading frame from serine 2089.
Molecular consequence: frameshift variant.
Genome position (GRCh38, 1-based): chr9:128,625,962, A duplicated. VCF-style (leftmost placement, unchanged base first): chr9-128625961-C-CA. GRCh37 (hg19) VCF-style: chr9-131388240-C-CA.
Other names: c.6188dup, p.Ser2064fs (NM_001195532.2); c.6263dup, p.Ser2089fs (NM_001363759.2, NM_001375310.1, NM_001375311.2 and 1 more transcripts); c.6203dup, p.Ser2069fs (NM_001363765.2, NM_001375314.2); c.6299dup, p.Ser2101fs (NM_001375312.2, NM_001375318.1); c.6248dup, p.Ser2084fs (NM_003127.4); short protein forms S2064fs, S2069fs, S2084fs, S2089fs, S2101fs.
Identifiers: ClinVar variation 3341043 (VCV003341043.1).
Genomic context (GRCh38, chr9:128,625,961, plus strand): 5'-AAGAGGTGGAGCCAGCTTCTGGCCAACTCAGCCGCCCGCAAGAAGAAGCTTCTGGAGGCT[C>CA]AGAGTCACTTCCGCAAGGTGAGGATGGGGCCACGTGAAGCTTAGCTGGCCCACAGCTCAA-3'

ClinVar aggregate classification (germline): Pathogenic (1 of 4 stars; one submission).

Submission:

GeneDx
Classification: Pathogenic. Last evaluated: 2023-11-27. Review status: criteria provided, single submitter. Criteria: GeneDx Variant Classification Process June 2021. Collection method: clinical testing. Allele origin: germline. Affected: yes.
Comment: Frameshift variant predicted to result in protein truncation or nonsense mediated decay in a gene for which loss of function is a known mechanism of disease; Not observed at significant frequency in large population cohorts (gnomAD); Has not been previously published as pathogenic or benign to our knowledge